The following is an entry in ClinVar:

NM_001868.4(CPA1):c.900G>T (p.Lys300Asn)

Gene: CPA1 (carboxypeptidase A1; plus strand). Cytogenetic location: 7q32.2.
Variant type: single nucleotide variant.
Coding change: c.900G>T on transcript NM_001868.4 (MANE Select); coding-DNA position 900, G replaced by T.
Protein change: p.Lys300Asn; replaces lysine 300 with asparagine.
Molecular consequence: missense variant.
Genome position (GRCh38, 1-based): chr7:130,385,258, G>T. VCF-style: chr7-130385258-G-T. GRCh37 (hg19) VCF-style: chr7-130025099-G-T.
Other names: short protein forms K300N.
Identifiers: ClinVar variation 1765471 (VCV001765471.2), dbSNP rs2536012233, ClinGen allele CA369283661.

ClinVar aggregate classification (germline): Uncertain significance (1 of 4 stars; one submission).

Conditions:
Hereditary pancreatitis (PCTT). Also called: PRSS1-Related Hereditary Pancreatitis; Hereditary chronic pancreatitis. Identifiers: Orphanet 676, MedGen C0238339, MONDO:0008185, OMIM 167800.

Submission:

Ambry Genetics
Classification: Uncertain significance for Hereditary pancreatitis. Last evaluated: 2022-02-01. Review status: criteria provided, single submitter. Criteria: Ambry Variant Classification Scheme 2023. Collection method: clinical testing. Allele origin: germline.
Comment: The p.K300N variant (also known as c.900G>T), located in coding exon 8 of the CPA1 gene, results from a G to T substitution at nucleotide position 900. The lysine at codon 300 is replaced by asparagine, an amino acid with similar properties. This amino acid position is conserved. In addition, this alteration is predicted to be tolerated by in silico analysis. Since supporting evidence is limited at this time, the clinical significance of this alteration remains unclear.